The following is an entry in ClinVar:

ClinVar aggregate classification (germline): Uncertain significance (1 of 4 stars; one submission).

Conditions:
Nephrolithiasis/nephrocalcinosis. Identifiers: MedGen CN580796.

Submission:

Ambry Genetics
Classification: Uncertain significance for Nephrolithiasis/nephrocalcinosis. Last evaluated: 2024-06-19. Review status: criteria provided, single submitter. Criteria: Ambry Variant Classification Scheme 2023. Collection method: clinical testing. Allele origin: germline.
Comment: The p.A2T variant (also known as c.4G>A), located in coding exon 1 of the CASR gene, results from a G to A substitution at nucleotide position 4. The alanine at codon 2 is replaced by threonine, an amino acid with similar properties. This amino acid position is not well conserved in available vertebrate species. In addition, this alteration is predicted to be tolerated by in silico analysis. Based on the available evidence, the clinical significance of this variant remains unclear.

NM_000388.4(CASR):c.4G>A (p.Ala2Thr)

Gene: CASR (calcium sensing receptor; plus strand). Cytogenetic location: 3q21.1.
Variant type: single nucleotide variant.
Coding change: c.4G>A on transcript NM_000388.4 (MANE Select); coding-DNA position 4, G replaced by A.
Protein change: p.Ala2Thr; replaces alanine 2 with threonine.
Molecular consequence: missense variant.
Genome position (GRCh38, 1-based): chr3:122,254,193, G>A. VCF-style: chr3-122254193-G-A. GRCh37 (hg19) VCF-style: chr3-121973040-G-A.
Other names: c.4G>A, p.Ala2Thr (NM_001178065.2); short protein forms A2T.
Identifiers: ClinVar variation 3263503 (VCV003263503.1).